The following is an entry in ClinVar:

NM_000088.4(COL1A1):c.400dup (p.Ile134fs)

Gene: COL1A1 (collagen type I alpha 1 chain; minus strand). Cytogenetic location: 17q21.33.
Variant type: Duplication.
Coding change: c.400dup on transcript NM_000088.4 (MANE Select); coding-DNA position 400, one base duplicated (A; older notation c.400dupA).
Protein change: p.Ile134fs; shifts the reading frame from isoleucine 134.
Molecular consequence: frameshift variant.
Genome position (GRCh38, 1-based): chr17:50,199,297, T duplicated on the plus strand (A on the coding strand, the reverse complement: COL1A1 is on the minus strand). VCF-style (leftmost placement, unchanged base first): chr17-50199296-A-AT. GRCh37 (hg19) VCF-style: chr17-48276657-A-AT.
Other names: short protein forms I134fs.
Identifiers: ClinVar variation 3912058 (VCV003912058.2), dbSNP rs1907854360.
Genomic context (GRCh38, chr17:50,199,296, plus strand): 5'-CCAGGGGGTCCGGGAGGTCCGGGGGGTCCGGGGGGTCCGGGAAGTCCAGGCTGTCCAGGG[A>AT]TGCCATCTCGGCCAGGGGGGCCTGCGGGTCCCTGCAGGGGGAGAGGGCGGGGCCGGGGTG-3'

ClinVar aggregate classification (germline): Pathogenic/Likely pathogenic. Review status: criteria provided, multiple submitters, no conflicts (2 of 4 stars). 2 submissions from 2 submitters: Pathogenic (1); Likely pathogenic (1). Last evaluated 2025-06-18.

Conditions:
COL1A1-related disorder. Also called: COL1A1- related disease; COL1A1-related condition.
Osteogenesis imperfecta type I (OI1). Also called: OI, TYPE I; OSTEOGENESIS IMPERFECTA TARDA; OSTEOGENESIS IMPERFECTA WITH BLUE SCLERAE; Osteogenesis imperfecta type 1; Lobstein's Disease; Lobstein disease. Identifiers: Orphanet 216796, Orphanet 666, MedGen C0023931, MONDO:0008146, OMIM 166200. Disease mechanism: loss of function.

Submissions (2):

Clinical Biomedical Laboratory, Shriners Hospital For Children - Canada
Classification: Pathogenic for Osteogenesis imperfecta type I. Last evaluated: 2025-06-18. Review status: criteria provided, single submitter. Criteria: ACMG Guidelines, 2015. Collection method: clinical testing. Allele origin: germline. Affected: yes.
Comment: This variant introduces a frameshift in COL1A1 and is expected to lead to a premature termination codon and nonsense mediated decay of the mRNA. Frameshift variants in COL1A1 are a typical cause of osteogenesis imperfecta. The variant is not present in the gnomAD database (v.2.1.1).

Blueprint Genetics
Classification: Likely pathogenic for COL1A1-related disorders. Last evaluated: 2020-08-19. Review status: criteria provided, single submitter. Criteria: ACMG Guidelines, 2015. Collection method: clinical testing. Allele origin: germline. Affected: yes. Observed: 1 variant allele.